The following is an entry in ClinVar:

NM_002427.4(MMP13):c.23C>T (p.Ala8Val)

Genes: MMP13 (matrix metallopeptidase 13; minus strand), LOC126861318 (BRD4-independent group 4 enhancer GRCh37_chr11:102825894-102827093; plus strand). Cytogenetic location: 11q22.2.
Variant type: single nucleotide variant.
Coding change: c.23C>T on transcript NM_002427.4 (MANE Select); coding-DNA position 23, C replaced by T.
Protein change: p.Ala8Val; replaces alanine 8 with valine.
Molecular consequence: missense variant.
Genome position (GRCh38, 1-based): chr11:102,955,683, G>A on the plus strand (C>T on the coding strand, the complement: MMP13 is on the minus strand). VCF-style: chr11-102955683-G-A. GRCh37 (hg19) VCF-style: chr11-102826412-G-A.
Other names: short protein forms A8V.
Identifiers: ClinVar variation 879360 (VCV000879360.11), dbSNP rs2276093, ClinGen allele CA6252095.

ClinVar aggregate classification (germline): Benign/Likely benign. Review status: criteria provided, multiple submitters, no conflicts (2 of 4 stars). 3 submissions from 2 submitters: Benign (1); Likely benign (2). Last evaluated 2024-10-17.

Conditions:
Metaphyseal anadysplasia. Also called: Early-onset regressive form of metaphyseal dysplasia. Identifiers: Orphanet 1040, MedGen C0432226, MONDO:0015177.
Spondyloepimetaphyseal dysplasia, Missouri type. Identifiers: Orphanet 1040, Orphanet 93356, MedGen C1865832, MONDO:0011198, OMIM 602111.

Allele frequency attached by ClinVar (database versions not stated): 1000 Genomes Project 30x 0.00031; gnomAD 0.00006 and 0.00001; gnomAD exomes 0.00024; TOPMed 0.00005; ExAC 0.00033; 1000 Genomes Project 0.00040.

Submissions (3):

Labcorp Genetics (formerly Invitae), Labcorp
Classification: Likely benign. Last evaluated: 2024-10-17. Review status: criteria provided, single submitter. Criteria: Invitae Variant Classification Sherloc (09022015). Collection method: clinical testing. Allele origin: germline.

Illumina Laboratory Services, Illumina
Classification: Benign for Metaphyseal anadysplasia. Last evaluated: 2018-01-12. Review status: criteria provided, single submitter. Criteria: ICSL Variant Classification Criteria 13 December 2019. Collection method: clinical testing. Allele origin: germline.
Comment: This variant was observed in the ICSL laboratory as part of a predisposition screen in an ostensibly healthy population. It had not been previously curated by ICSL or reported in the Human Gene Mutation Database (HGMD: prior to June 1st, 2018), and was therefore a candidate for classification through an automated scoring system. Utilizing variant allele frequency, disease prevalence and penetrance estimates, and inheritance mode, an automated score was calculated to assess if this variant is too frequent to cause the disease. Based on the score and internal cut-off values, a variant classified as benign is not then subjected to further curation. The score for this variant resulted in a classification of benign for this disease.

Illumina Laboratory Services, Illumina
Classification: Likely benign for Spondyloepimetaphyseal dysplasia, Missouri type. Last evaluated: 2018-01-12. Review status: criteria provided, single submitter. Criteria: ICSL Variant Classification Criteria 13 December 2019. Collection method: clinical testing. Allele origin: germline.
Comment: This variant was observed in the ICSL laboratory as part of a predisposition screen in an ostensibly healthy population. It had not been previously curated by ICSL or reported in the Human Gene Mutation Database (HGMD: prior to June 1st, 2018), and was therefore a candidate for classification through an automated scoring system. Utilizing variant allele frequency, disease prevalence and penetrance estimates, and inheritance mode, an automated score was calculated to assess if this variant is too frequent to cause the disease. Based on the score and internal cut-off values, a variant classified as likely benign is not then subjected to further curation. The score for this variant resulted in a classification of likely benign for this disease.